The following is an entry in ClinVar:

ClinVar aggregate classification (germline): Uncertain significance (1 of 4 stars; one submission).

Conditions:
Generalized dominant dystrophic epidermolysis bullosa (DDEB). Also called: DDEB, generalized; DDEB-gen; DYSTROPHIC EPIDERMOLYSIS BULLOSA, AUTOSOMAL DOMINANT; Epidermolysis bullosa dystrophica, autosomal dominant; Dominant DEB (DDEB). Identifiers: Orphanet 231568, MedGen C0432322, MONDO:0007549, OMIM 131750.

gnomAD v4.1: 1 of 1,612,940 alleles (0.000062%); highest among the groups gnomAD compares: Admixed American, 0.0017%; no homozygotes.

Submission:

Dasa
Classification: Uncertain significance for Generalized dominant dystrophic epidermolysis bullosa. Last evaluated: 2025-11-13. Review status: criteria provided, single submitter. Criteria: DASA Assertion Criteria. Collection method: clinical testing. Allele origin: germline.
Comment: NM_000094.4(COL7A1):c.5474C>T (p.Pro1825Leu) is a missense variant that results in the substitution of proline with leucine. This variant is rare in population databases. The currently available literature and clinical evidence are not sufficient to establish a definitive association between this variant and the reported condition. Therefore, this variant is classified as a variant of uncertain significance.

NM_000094.4(COL7A1):c.5474C>T (p.Pro1825Leu)

Gene: COL7A1 (collagen type VII alpha 1 chain; minus strand). Cytogenetic location: 3p21.31.
Variant type: single nucleotide variant.
Coding change: c.5474C>T on transcript NM_000094.4 (MANE Select); coding-DNA position 5474, C replaced by T.
Protein change: p.Pro1825Leu; replaces proline 1825 with leucine.
Molecular consequence: missense variant.
Genome position (GRCh38, 1-based): chr3:48,578,466, G>A on the plus strand (C>T on the coding strand, the complement: COL7A1 is on the minus strand). VCF-style: chr3-48578466-G-A. GRCh37 (hg19) VCF-style: chr3-48615899-G-A.
Other names: short protein forms P1825L.
Identifiers: ClinVar variation 4882117 (VCV004882117.2).
Genomic context (GRCh38, chr3:48,578,466, plus strand): 5'-GAGGGTAGTAAGGGGGAAAAGGGGGTAACATGAAAGTCTGGTCTCACCGGTAATCCAGGG[G>A]GACCAGAGGGGCCAGGGAGGCCCTGTTCTCCACGGAGGCCTGGAAGCCCCTGGAAAAAGT-3'
Protein context (NP_000085.1, residues 1815-1835): GEQGLPGPSG[Pro1825Leu]PGLPGKPGED